The following is an entry in ClinVar:

ClinVar aggregate classification (germline): Uncertain significance. Review status: criteria provided, multiple submitters, no conflicts (2 of 4 stars). 2 submissions from 2 submitters: Uncertain significance (2). Last evaluated 2022-08-23.

Conditions:
Fetal akinesia deformation sequence 1 (FADS1). Also called: Fetal akinesia sequence; Pena-Shokeir syndrome type I. Identifiers: Orphanet 994, MedGen C1276035, MONDO:0100101, OMIM 208150, HP:0001989.
Congenital myasthenic syndrome 10. Also called: Myasthenia, limb-girdle, familial. Identifiers: Orphanet 590, MedGen C1850792, MONDO:0009690, OMIM 254300.

gnomAD v4.1: 3 of 1,609,984 alleles (0.00019%); highest among the groups gnomAD compares: Non-Finnish European, 0.00025%; no homozygotes.

Submissions (2):

Labcorp Genetics (formerly Invitae), Labcorp
Classification: Uncertain significance for Congenital myasthenic syndrome 10; Fetal akinesia deformation sequence 1. Last evaluated: 2022-08-23. Review status: criteria provided, single submitter. Criteria: Invitae Variant Classification Sherloc (09022015). Collection method: clinical testing. Allele origin: germline.
Comment: This sequence change replaces serine, which is neutral and polar, with tryptophan, which is neutral and slightly polar, at codon 490 of the DOK7 protein (p.Ser490Trp). The frequency data for this variant in the population databases is considered unreliable, as metrics indicate poor data quality at this position in the gnomAD database. In summary, the available evidence is currently insufficient to determine the role of this variant in disease. Therefore, it has been classified as a Variant of Uncertain Significance. Algorithms developed to predict the effect of missense changes on protein structure and function are either unavailable or do not agree on the potential impact of this missense change (SIFT: "Deleterious"; PolyPhen-2: "Possibly Damaging"; Align-GVGD: "Class C0"). ClinVar contains an entry for this variant (Variation ID: 853505). This variant has not been reported in the literature in individuals affected with DOK7-related conditions.

Revvity Omics, Revvity
Classification: Uncertain significance. Last evaluated: 2019-07-03. Review status: criteria provided, single submitter. Criteria: ACMG Guidelines, 2015. Collection method: clinical testing. Allele origin: germline.

NM_173660.5(DOK7):c.1469C>G (p.Ser490Trp)

Gene: DOK7 (docking protein 7; plus strand). Cytogenetic location: 4p16.3.
Variant type: single nucleotide variant.
Coding change: c.1469C>G on transcript NM_173660.5 (MANE Select); coding-DNA position 1469, C replaced by G.
Protein change: p.Ser490Trp; replaces serine 490 with tryptophan.
Molecular consequence: missense variant. On other transcripts: 3 prime UTR variant (1).
Genome position (GRCh38, 1-based): chr4:3,493,455, C>G. VCF-style: chr4-3493455-C-G. GRCh37 (hg19) VCF-style: chr4-3495182-C-G.
Other names: c.*690C>G (NM_001164673.2); c.539C>G, p.Ser180Trp (NM_001256896.2); c.1469C>G, p.Ser490Trp (NM_001301071.2); c.1037C>G, p.Ser346Trp (NM_001363811.2); short protein forms S180W, S346W, S490W.
Identifiers: ClinVar variation 853505 (VCV000853505.11), dbSNP rs77513082, ClinGen allele CA356118020.
Genomic context (GRCh38, chr4:3,493,455, plus strand): 5'-CCCCTGGCGAGCCCTGGGAAGCAGGCGGCCCCCACGCGGGGCCACCCCCGGCTTTCTTTT[C>G]GGCATGTCCAGTCTGTGGAGGACTCAAGGTAAACCCCCCTCCTTGAGAGCCGCAGATCCC-3'
Protein context (NP_775931.3, residues 480-500): PHAGPPPAFF[Ser490Trp]ACPVCGGLKV